The following is an entry in ClinVar:

NM_006946.4(SPTBN2):c.2679-7C>T

Gene: SPTBN2 (spectrin beta, non-erythrocytic 2; minus strand). Cytogenetic location: 11q13.2.
Variant type: single nucleotide variant.
Coding change: c.2679-7C>T on transcript NM_006946.4 (MANE Select); 7 bases into the intron before coding-DNA position 2679, C replaced by T.
Molecular consequence: intron variant.
Genome position (GRCh38, 1-based): chr11:66,701,728, G>A on the plus strand (C>T on the coding strand, the complement: SPTBN2 is on the minus strand). VCF-style: chr11-66701728-G-A. GRCh37 (hg19) VCF-style: chr11-66469199-G-A.
Other names: p.?; c.2679-7C>T (NM_001437541.1); c.2700-7C>T (NM_001411025.1).
Identifiers: ClinVar variation 4683640 (VCV004683640.1).

ClinVar aggregate classification (germline): Likely benign (1 of 4 stars; one submission).

gnomAD v4.1: 35 of 1,614,106 alleles (0.0022%); highest among the groups gnomAD compares: Non-Finnish European, 0.0029%; no homozygotes.

Submission:

Mayo Clinic Laboratories, Mayo Clinic
Classification: Likely benign. Last evaluated: 2025-02-14. Review status: criteria provided, single submitter. Criteria: ACMG Guidelines, 2015. Collection method: clinical testing. Allele origin: germline. Observed: 1 variant allele.
Comment: BP4, BP7